The following is an entry in ClinVar:

NM_007294.4(BRCA1):c.125T>G (p.Ile42Arg)

Gene: BRCA1 (BRCA1 DNA repair associated; minus strand). Cytogenetic location: 17q21.31.
Variant type: single nucleotide variant.
Coding change: c.125T>G on transcript NM_007294.4 (MANE Select); coding-DNA position 125, T replaced by G.
Protein change: p.Ile42Arg; replaces isoleucine 42 with arginine.
Molecular consequence: missense variant. On other transcripts: non-coding transcript variant (1), intron variant (1).
Genome position (GRCh38, 1-based): chr17:43,115,735, A>C on the plus strand (T>G on the coding strand, the complement: BRCA1 is on the minus strand). VCF-style: chr17-43115735-A-C. GRCh37 (hg19) VCF-style: chr17-41267752-A-C.
Other names: c.-64T>G (NM_001407571.1, NM_001407853.1, NM_001407879.1 and 52 more transcripts); c.125T>G, p.Ile42Arg (NM_001407581.1, NM_001407582.1, NM_001407583.1 and 192 more transcripts); c.-133T>G (NM_001407694.1, NM_001407696.1, NM_001407724.1 and 13 more transcripts); c.-137T>G (NM_001407695.1, NM_001408465.1); c.-17T>G (NM_001407697.1, NM_001407725.1, NM_001407728.1 and 47 more transcripts); c.-13T>G (NM_001407841.1); c.-180T>G (NM_001407889.1, NM_001407900.1, NM_001408492.1); c.-179T>G (NM_001407960.1, NM_001407962.1, NM_001408510.1 and 1 more transcripts); and 2 more; short protein forms I42R.
Identifiers: ClinVar variation 867507 (VCV000867507.3), dbSNP rs2055246954, ClinGen allele CA10601907.
Genomic context (GRCh38, chr17:43,115,735, plus strand): 5'-AGGACAAAAACAAAAGCTAATAATGGAGCCACATAACACATTCAAACTTACTTGCAAAAT[A>C]TGTGGTCACACTTTGTGGAGACAGGTTCCTTGATCAACTCCAGACTAGCAGGGTAGGGGG-3'
Protein context (NP_009225.1, residues 32-52): KEPVSTKCDH[Ile42Arg]FCKFCMLKLL

Conditions:
Breast-ovarian cancer, familial, susceptibility to, 1 (BROVCA1). Also called: BRCA1 Hereditary Breast and Ovarian Cancer; OVARIAN CANCER, SUSCEPTIBILITY TO. Identifiers: Orphanet 145, MedGen C2676676, MONDO:0011450, OMIM 604370. Disease mechanism: loss of function.

Submission:

Brotman Baty Institute, University of Washington
No classification provided (evidence only). Condition: Breast-ovarian cancer, familial 1. Review status: no classification provided. Collection method: in vitro. Allele origin: not applicable. Functional consequence: functionally_normal.
ClinVar note: "not provided" was previously submitted as the classification for the variant. However, the classification appeared to be based only on an observation of functional data so it was converted to no classification on 2025-07-30.